The following is an entry in ClinVar:

NM_001278716.2(FBXL4):c.616C>T (p.Arg206Ter)

Gene: FBXL4 (F-box and leucine rich repeat protein 4; minus strand). Cytogenetic location: 6q16.2.
Variant type: single nucleotide variant.
Coding change: c.616C>T on transcript NM_001278716.2 (MANE Select); coding-DNA position 616, C replaced by T.
Protein change: p.Arg206Ter; replaces arginine 206 with a stop codon.
Molecular consequence: nonsense.
Genome position (GRCh38, 1-based): chr6:98,917,616, G>A on the plus strand (C>T on the coding strand, the complement: FBXL4 is on the minus strand). VCF-style: chr6-98917616-G-A. GRCh37 (hg19) VCF-style: chr6-99365492-G-A.
Other names: p.Arg206*; c.616C>T, p.Arg206Ter (NM_012160.5); c.616C>T (NM_012160.3); short protein forms R206*.
Identifiers: ClinVar variation 437492 (VCV000437492.7), dbSNP rs964532159, ClinGen allele CA16021028.

ClinVar aggregate classification (germline): Pathogenic/Likely pathogenic. Review status: criteria provided, multiple submitters, no conflicts (2 of 4 stars). 7 submissions from 7 submitters: Pathogenic (5); Likely pathogenic (2). Last evaluated 2025-12-23.

Conditions:
FBXL4-related disorder. Also called: FBXL4-related condition.
Inborn genetic diseases. Identifiers: MedGen C0950123, MeSH D030342.
Mitochondrial DNA depletion syndrome 13. Also called: Mitochondrial DNA depletion syndrome 13 (encephalomyopathic type); FBXL4-Related Encephalomyopathic Mitochondrial DNA Depletion Syndrome. Identifiers: Orphanet 369897, MedGen C3809592, MONDO:0014198, OMIM 615471.

Allele frequency attached by ClinVar (database versions not stated): gnomAD 0.00001; gnomAD exomes 0.00001; TOPMed 0.00001.
gnomAD v4.1: 14 of 1,613,706 alleles (0.00087%); highest among the groups gnomAD compares: African/African-American, 0.0053%; no homozygotes.

Submissions (7):

Labcorp Genetics (formerly Invitae), Labcorp
Classification: Pathogenic. Last evaluated: 2025-12-23. Review status: criteria provided, single submitter. Criteria: Invitae Variant Classification Sherloc (09022015). Collection method: clinical testing. Allele origin: germline.
Comment: This sequence change creates a premature translational stop signal (p.Arg206*) in the FBXL4 gene. It is expected to result in an absent or disrupted protein product. Loss-of-function variants in FBXL4 are known to be pathogenic (PMID: 23993193, 23993194, 25868664). This variant is present in population databases (no rsID available, gnomAD 0.02%). This premature translational stop signal has been observed in individual(s) with mitochondrial DNA depletion syndrome (PMID: 28454995). ClinVar contains an entry for this variant (Variation ID: 437492). Algorithms developed to predict the effect of sequence changes on RNA splicing suggest that this variant may disrupt the consensus splice site. For these reasons, this variant has been classified as Pathogenic.

GeneDx
Classification: Pathogenic. Last evaluated: 2025-03-24. Review status: criteria provided, single submitter. Criteria: GeneDx Variant Classification Process June 2021. Collection method: clinical testing. Allele origin: germline. Affected: yes.
Comment: Nonsense variant predicted to result in protein truncation or nonsense mediated decay in a gene for which loss of function is a known mechanism of disease; This variant is associated with the following publications: (PMID: 28940506, 28454995, 33726816, 32525278)

Mayo Clinic Laboratories, Mayo Clinic
Classification: Pathogenic. Last evaluated: 2025-03-05. Review status: criteria provided, single submitter. Criteria: ACMG Guidelines, 2015. Collection method: clinical testing. Allele origin: germline. Observed: 1 variant allele.
Comment: PM2_supporting, PM3, PVS1

Ambry Genetics
Classification: Pathogenic for Inborn genetic diseases. Last evaluated: 2025-01-09. Review status: criteria provided, single submitter. Criteria: Ambry Variant Classification Scheme 2023. Collection method: clinical testing. Allele origin: germline.
Comment: The c.616C>T (p.R206*) alteration, located in exon 4 (coding exon 2) of the FBXL4 gene, consists of a C to T substitution at nucleotide position 616. This changes the amino acid from a arginine (R) to a stop codon at amino acid position 206. This alteration is expected to result in loss of function by premature protein truncation or nonsense-mediated mRNA decay. Based on data from gnomAD, the T allele has an overall frequency of 0.006% (2/31402) total alleles studied. The highest observed frequency was 0.023% (2/8712) of African alleles. This variant has been identified in the homozygous state in multiple individuals with clinical features consistent with FBXL4-related mitochondrial DNA depletion syndrome (El-Hattab, 2017; Trujillano, 2017). Based on the available evidence, this alteration is classified as pathogenic.

Blueprint Genetics
Classification: Likely pathogenic for FBXL4-related disorders. Last evaluated: 2022-06-16. Review status: criteria provided, single submitter. Criteria: ACMG Guidelines, 2015. Collection method: clinical testing. Allele origin: germline. Affected: yes. Observed: 4 variant alleles.

Fulgent Genetics
Classification: Likely pathogenic for Mitochondrial DNA depletion syndrome 13. Last evaluated: 2022-03-30. Review status: criteria provided, single submitter. Criteria: ACMG Guidelines, 2015. Collection method: clinical testing. Allele origin: unknown.

Wong Mito Lab, Molecular and Human Genetics, Baylor College of Medicine
Classification: Pathogenic for Mitochondrial DNA depletion syndrome 13. Last evaluated: 2017-08-10. Review status: criteria provided, single submitter. Criteria: ACMG Guidelines, 2015. Collection method: clinical testing. Allele origin: germline. Affected: yes.
Comment: The NM_012160.4:c.616C>T (NP_036292.2:p.Arg206Ter) [GRCH38: NC_000006.12:g.98917616G>A] variant in FBXL4 gene is interpretated to be a Pathogenic based on ACMG guidelines (PMID: 25741868). This variant meets one or more of the following evidence codes reported in the ACMG-guideline. PVS1:This variant is a predcted null variant in FBXL4 where loss of function is a known mechanism of disease. PM2:This variant is absent in key population databases. PP4:Patientâ€™s phenotype or family history is highly specific for FBXL4. Based on this evidence code ClinGen Pathogenicity Calculator (PMID:28081714) suggested that the variant is Pathogenic.

Literature cited by the submitters: PubMed 23993193 (cited by Labcorp Genetics (formerly Invitae), Labcorp); PubMed 23993194 (cited by Labcorp Genetics (formerly Invitae), Labcorp); PubMed 25868664 (cited by Labcorp Genetics (formerly Invitae), Labcorp); PubMed 28454995 (cited by Labcorp Genetics (formerly Invitae), Labcorp and Mayo Clinic Laboratories, Mayo Clinic); PubMed 28940506 (cited by Mayo Clinic Laboratories, Mayo Clinic and Ambry Genetics); PubMed 32525278 (cited by Mayo Clinic Laboratories, Mayo Clinic); PubMed 33726816 (cited by Mayo Clinic Laboratories, Mayo Clinic); PubMed 27848944 (cited by Ambry Genetics).